The following is an entry in ClinVar:

NM_001127208.3(TET2):c.1289T>C (p.Val430Ala)

Genes: TET2 (tet methylcytosine dioxygenase 2; plus strand), TET2-AS1 (TET2 antisense RNA 1; minus strand). Cytogenetic location: 4q24.
Variant type: single nucleotide variant.
Coding change: c.1289T>C on transcript NM_001127208.3 (MANE Select); coding-DNA position 1289, T replaced by C.
Protein change: p.Val430Ala; replaces valine 430 with alanine.
Molecular consequence: missense variant.
Genome position (GRCh38, 1-based): chr4:105,235,231, T>C. VCF-style: chr4-105235231-T-C. GRCh37 (hg19) VCF-style: chr4-106156388-T-C.
Other names: c.1289T>C, p.Val430Ala (NM_017628.4); short protein forms V430A.
Identifiers: ClinVar variation 4865599 (VCV004865599.1).

ClinVar aggregate classification (germline): Uncertain significance (1 of 4 stars; one submission).

Submission:

Ambry Genetics
Classification: Uncertain significance. Last evaluated: 2026-06-02. Review status: criteria provided, single submitter. Criteria: Ambry Variant Classification Scheme 2023. Collection method: clinical testing. Allele origin: germline.
Comment: The p.V430A variant (also known as c.1289T>C), located in coding exon 1 of the TET2 gene, results from a T to C substitution at nucleotide position 1289. The valine at codon 430 is replaced by alanine, an amino acid with similar properties. This amino acid position is conserved. In addition, this alteration is predicted to be tolerated by in silico analysis. Based on the available evidence, the clinical significance of this variant remains unclear.